The following is an entry in ClinVar:

ClinVar aggregate classification (germline): Likely benign (0 of 4 stars; one submission).

Conditions:
EP300-related disorder. Also called: EP300-related disorders; EP300-related condition.

gnomAD v4.1: 9 of 1,614,058 alleles (0.00056%); highest among the groups gnomAD compares: East Asian, 0.0022%; no homozygotes.

Submission:

PreventionGenetics, part of Exact Sciences
Classification: Likely benign for EP300-related condition. Last evaluated: 2024-03-08. Review status: no assertion criteria provided. Collection method: clinical testing. Allele origin: germline.
Comment: This variant is classified as likely benign based on ACMG/AMP sequence variant interpretation guidelines (Richards et al. 2015 PMID: 25741868, with internal and published modifications).

NM_001429.4(EP300):c.5538C>T (p.Gly1846=)

Gene: EP300 (E1A binding protein p300; plus strand). Cytogenetic location: 22q13.2.
Variant type: single nucleotide variant.
Coding change: c.5538C>T on transcript NM_001429.4 (MANE Select); coding-DNA position 5538, C replaced by T.
Protein change: p.Gly1846=; no amino-acid change (glycine 1846 retained).
Molecular consequence: synonymous variant.
Genome position (GRCh38, 1-based): chr22:41,177,249, C>T. VCF-style: chr22-41177249-C-T. GRCh37 (hg19) VCF-style: chr22-41573253-C-T.
Other names: c.5460C>T, p.Gly1820= (NM_001362843.2).
Identifiers: ClinVar variation 3357578 (VCV003357578.1).